The following is an entry in ClinVar:

ClinVar aggregate classification (germline): Uncertain significance. Review status: criteria provided, multiple submitters, no conflicts (2 of 4 stars). 2 submissions from 2 submitters: Uncertain significance (2). Last evaluated 2025-06-25.

Conditions:
Cohen syndrome (COH1). Also called: Cutis verticis gyrata, retinitis pigmentosa, and sensorineural deafness; PEPPER SYNDROME. Identifiers: Orphanet 193, MedGen C0265223, MONDO:0008999, OMIM 216550.
VPS13B-related disorder. Also called: VPS13B-related condition.

Allele frequency attached by ClinVar (database versions not stated): TOPMed 0.00001; ExAC 0.00002.
gnomAD v4.1: 7 of 1,614,024 alleles (0.00043%); highest among the groups gnomAD compares: Admixed American, 0.01%; no homozygotes.

Submissions (2):

PreventionGenetics, part of Exact Sciences
Classification: Uncertain significance for VPS13B-related condition. Last evaluated: 2025-06-25. Review status: criteria provided, single submitter. Criteria: ACMG Guidelines, 2015. Collection method: clinical testing. Allele origin: germline.
Comment: The VPS13B c.3277T>G variant is predicted to result in the amino acid substitution p.Ser1093Ala. To our knowledge, this variant has not been reported in the literature. This variant is reported in 0.012% of alleles in individuals of Latino descent in gnomAD. At this time, the clinical significance of this variant is uncertain due to the absence of conclusive functional and genetic evidence.

Labcorp Genetics (formerly Invitae), Labcorp
Classification: Uncertain significance for Cohen syndrome. Last evaluated: 2024-01-18. Review status: criteria provided, single submitter. Criteria: Invitae Variant Classification Sherloc (09022015). Collection method: clinical testing. Allele origin: germline.
Comment: This sequence change replaces serine, which is neutral and polar, with alanine, which is neutral and non-polar, at codon 1093 of the VPS13B protein (p.Ser1093Ala). This variant is present in population databases (rs752514763, gnomAD 0.01%). This variant has not been reported in the literature in individuals affected with VPS13B-related conditions. ClinVar contains an entry for this variant (Variation ID: 1493916). Advanced modeling of protein sequence and biophysical properties (such as structural, functional, and spatial information, amino acid conservation, physicochemical variation, residue mobility, and thermodynamic stability) performed at Invitae indicates that this missense variant is not expected to disrupt VPS13B protein function with a negative predictive value of 80%. In summary, the available evidence is currently insufficient to determine the role of this variant in disease. Therefore, it has been classified as a Variant of Uncertain Significance.

NM_152564.5(VPS13B):c.3277T>G (p.Ser1093Ala)

Gene: VPS13B (vacuolar protein sorting 13 homolog B; plus strand). Cytogenetic location: 8q22.2.
Variant type: single nucleotide variant.
Coding change: c.3277T>G on transcript NM_152564.5 (MANE Select); coding-DNA position 3277, T replaced by G.
Protein change: p.Ser1093Ala; replaces serine 1093 with alanine.
Molecular consequence: missense variant.
Genome position (GRCh38, 1-based): chr8:99,442,467, T>G. VCF-style: chr8-99442467-T-G. GRCh37 (hg19) VCF-style: chr8-100454695-T-G.
Other names: c.3277T>G (NM_152564.4); c.3277T>G, p.Ser1093Ala (NM_017890.5); short protein forms S1093A.
Identifiers: ClinVar variation 1493916 (VCV001493916.7), dbSNP rs752514763, ClinGen allele CA4823216.